The following is an entry in ClinVar:

NM_206933.4(USH2A):c.13390T>C (p.Trp4464Arg)

Gene: USH2A (usherin; minus strand). Cytogenetic location: 1q41.
Variant type: single nucleotide variant.
Coding change: c.13390T>C on transcript NM_206933.4 (MANE Select); coding-DNA position 13390, T replaced by C.
Protein change: p.Trp4464Arg; replaces tryptophan 4464 with arginine.
Molecular consequence: missense variant.
Genome position (GRCh38, 1-based): chr1:215,674,521, A>G on the plus strand (T>C on the coding strand, the complement: USH2A is on the minus strand). VCF-style: chr1-215674521-A-G. GRCh37 (hg19) VCF-style: chr1-215847863-A-G.
Other names: short protein forms W4464R.
Identifiers: ClinVar variation 1003154 (VCV001003154.9), dbSNP rs1403832675, ClinGen allele CA344845427.

ClinVar aggregate classification (germline): Likely pathogenic. Review status: criteria provided, single submitter (1 of 4 stars). 2 submissions from 2 submitters: Likely pathogenic (1). 1 of the submissions does not count toward it. Last evaluated 2025-01-27.

Conditions:
Usher syndrome type 2A. Also called: RETINAL DISEASE IN USHER SYNDROME TYPE IIA, MODIFIER OF; USHER SYNDROME, TYPE IIA. Identifiers: Orphanet 231178, Orphanet 886, MedGen C1848634, MONDO:0010169, OMIM 276901.

Allele frequency attached by ClinVar (database versions not stated): gnomAD exomes below 0.00001; TOPMed below 0.00001.
gnomAD v4.1: 6 of 1,614,108 alleles (0.00037%); highest among the groups gnomAD compares: South Asian, 0.0055%; no homozygotes.

Submissions (2):

Labcorp Genetics (formerly Invitae), Labcorp
Classification: Likely pathogenic. Last evaluated: 2025-01-27. Review status: criteria provided, single submitter. Criteria: Invitae Variant Classification Sherloc (09022015). Collection method: clinical testing. Allele origin: germline.
Comment: This sequence change replaces tryptophan, which is neutral and slightly polar, with arginine, which is basic and polar, at codon 4464 of the USH2A protein (p.Trp4464Arg). This variant is present in population databases (no rsID available, gnomAD 0.003%). This variant has not been reported in the literature in individuals affected with USH2A-related conditions. ClinVar contains an entry for this variant (Variation ID: 1003154). Invitae Evidence Modeling of protein sequence and biophysical properties (such as structural, functional, and spatial information, amino acid conservation, physicochemical variation, residue mobility, and thermodynamic stability) indicates that this missense variant is expected to disrupt USH2A protein function with a positive predictive value of 95%. This variant disrupts the p.Trp4464 amino acid residue in USH2A. Other variant(s) that disrupt this residue have been determined to be pathogenic (internal data). This suggests that this residue is clinically significant, and that variants that disrupt this residue are likely to be disease-causing. In summary, the currently available evidence indicates that the variant is pathogenic, but additional data are needed to prove that conclusively. Therefore, this variant has been classified as Likely Pathogenic.

Natera, Inc.
Classification: Uncertain significance for Usher syndrome type 2A. Last evaluated: 2021-07-26. Review status: no assertion criteria provided. Collection method: clinical testing. Allele origin: germline. Not counted in ClinVar's aggregate classification.